The following is an entry in ClinVar:

NM_000054.7(AVPR2):c.35G>A (p.Gly12Glu)

Gene: AVPR2 (arginine vasopressin receptor 2; plus strand). Cytogenetic location: Xq28.
Variant type: single nucleotide variant.
Coding change: c.35G>A on transcript NM_000054.7 (MANE Select); coding-DNA position 35, G replaced by A.
Protein change: p.Gly12Glu; replaces glycine 12 with glutamic acid.
Molecular consequence: missense variant.
Genome position (GRCh38, 1-based): chrX:153,905,541, G>A. VCF-style: chrX-153905541-G-A. GRCh37 (hg19) VCF-style: chrX-153170995-G-A.
Other names: c.35G>A (NM_000054.6); c.35G>A, p.Gly12Glu (NM_001146151.3); short protein forms G12E.
Identifiers: ClinVar variation 254773 (VCV000254773.22), dbSNP rs2071126, ClinGen allele CA10554938.
Genomic context (GRCh38, chrX:153,905,541, plus strand): 5'-CCCCTGCACAGCACCCTCTCTAACCAGGCCCTCTTCCCGACTCCTTCCCAGCTGTGCCTG[G>A]GCATCCCTCTCTGCCCAGCCTGCCCAGCAACAGCAGCCAGGAGAGGCCACTGGACACCCG-3'
Protein context (NP_000045.1, residues 2-22): LMASTTSAVP[Gly12Glu]HPSLPSLPSN

ClinVar aggregate classification (germline): Benign. Review status: criteria provided, multiple submitters, no conflicts (2 of 4 stars). 11 submissions from 11 submitters: Benign (8). 3 of the submissions do not count toward it. Last evaluated 2026-02-04.

Conditions:
Diabetes insipidus, nephrogenic, X-linked. Also called: Nephrogenic Diabetes Insipidus, Type I. Identifiers: Orphanet 223, MedGen C1563705, MONDO:0010581, OMIM 304800.

Allele frequency attached by ClinVar (database versions not stated): 1000 Genomes Project 0.03205; 1000 Genomes Project 30x 0.03226; gnomAD exomes 0.03811 and 0.02380; ExAC 0.04551; ESP Exome Variant Server 0.01879; gnomAD 0.02308 and 0.02429; TOPMed 0.02662.

Submissions (11):

Labcorp Genetics (formerly Invitae), Labcorp
Classification: Benign. Last evaluated: 2026-02-04. Review status: criteria provided, single submitter. Criteria: Invitae Variant Classification Sherloc (09022015). Collection method: clinical testing. Allele origin: germline.

Blueprint Genetics
Classification: Benign. Last evaluated: 2024-11-28. Review status: criteria provided, single submitter. Criteria: ACMG Guidelines, 2015. Collection method: clinical testing. Allele origin: germline.

Mayo Clinic Laboratories, Mayo Clinic
Classification: Benign. Last evaluated: 2023-08-08. Review status: criteria provided, single submitter. Criteria: ACMG Guidelines, 2015. Collection method: clinical testing. Allele origin: germline. Observed: 8 variant alleles.
Comment: BA1, BS2, BP4

GeneDx
Classification: Benign. Last evaluated: 2021-05-04. Review status: criteria provided, single submitter. Criteria: GeneDx Variant Classification Process June 2021. Collection method: clinical testing. Allele origin: germline. Affected: yes.
Comment: This variant is associated with the following publications: (PMID: 10526945, 27884173, 20403097, 9027323, 7987330, 22995991, 22644838)

Athena Diagnostics
Classification: Benign. Last evaluated: 2020-08-18. Review status: criteria provided, single submitter. Criteria: Athena Diagnostics Criteria. Collection method: clinical testing. Allele origin: unknown.

Illumina Laboratory Services, Illumina
Classification: Benign for Diabetes insipidus, nephrogenic, X-linked. Last evaluated: 2017-04-27. Review status: criteria provided, single submitter. Criteria: ICSL Variant Classification Criteria 13 December 2019. Collection method: clinical testing. Allele origin: germline.
Comment: This variant was observed as part of a predisposition screen in an ostensibly healthy population. A literature search was performed for the gene, cDNA change, and amino acid change (where applicable). Publications were found based on this search. The evidence from the literature, in combination with allele frequency data from public databases where available, was sufficient to rule this variant out of causing disease. Therefore, this variant is classified as benign.

Breakthrough Genomics
Classification: Benign. Review status: criteria provided, single submitter. Criteria: ACMG Guidelines, 2015. Collection method: not provided. Allele origin: germline. Inheritance: X-linked inheritance. Affected: yes.

PreventionGenetics, part of Exact Sciences
Classification: Benign. Review status: criteria provided, single submitter. Criteria: ACMG Guidelines, 2015. Collection method: clinical testing. Allele origin: germline.

Genome Diagnostics Laboratory, University Medical Center Utrecht
Classification: Benign. Review status: no assertion criteria provided. Collection method: clinical testing. Allele origin: germline. Affected: yes. Study: VKGL Data-share Consensus. Not counted in ClinVar's aggregate classification.

Joint Genome Diagnostic Labs from Nijmegen and Maastricht, Radboudumc and MUMC+
Classification: Benign. Review status: no assertion criteria provided. Collection method: clinical testing. Allele origin: germline. Affected: yes. Study: VKGL Data-share Consensus. Not counted in ClinVar's aggregate classification.

Laboratory of Diagnostic Genome Analysis, Leiden University Medical Center (LUMC)
Classification: Likely benign. Review status: no assertion criteria provided. Collection method: clinical testing. Allele origin: germline. Affected: yes. Study: VKGL Data-share Consensus. Not counted in ClinVar's aggregate classification.

Literature cited by the submitters: PubMed 22644838 (cited by Athena Diagnostics and Illumina Laboratory Services, Illumina); PubMed 20403097 (cited by Athena Diagnostics and Illumina Laboratory Services, Illumina); PubMed 12955588 (cited by Athena Diagnostics and Illumina Laboratory Services, Illumina); PubMed 9853256 (cited by Athena Diagnostics and Illumina Laboratory Services, Illumina); PubMed 9027323 (cited by Athena Diagnostics and Illumina Laboratory Services, Illumina); PubMed 27884173 (cited by Athena Diagnostics); PubMed 10526945 (cited by Athena Diagnostics); PubMed 7987330 (cited by Athena Diagnostics); PubMed 7989330 (cited by Illumina Laboratory Services, Illumina); PubMed 18726898 (cited by Illumina Laboratory Services, Illumina).